The following is an entry in ClinVar:

NM_000548.5(TSC2):c.5051C>T (p.Ser1684Phe)

Gene: TSC2 (TSC complex subunit 2; plus strand). Cytogenetic location: 16p13.3.
Variant type: single nucleotide variant.
Coding change: c.5051C>T on transcript NM_000548.5 (MANE Select); coding-DNA position 5051, C replaced by T.
Protein change: p.Ser1684Phe; replaces serine 1684 with phenylalanine.
Molecular consequence: missense variant.
Genome position (GRCh38, 1-based): chr16:2,087,924, C>T. VCF-style: chr16-2087924-C-T. GRCh37 (hg19) VCF-style: chr16-2137925-C-T.
Other names: c.4850C>T, p.Ser1617Phe (NM_001077183.3); c.4982C>T, p.Ser1661Phe (NM_001114382.3); c.4742C>T, p.Ser1581Phe (NM_001318827.2); c.4706C>T, p.Ser1569Phe (NM_001318829.2); c.4319C>T, p.Ser1440Phe (NM_001318831.2); c.4883C>T, p.Ser1628Phe (NM_001318832.2); c.4853C>T, p.Ser1618Phe (NM_001363528.2); c.4919C>T, p.Ser1640Phe (NM_001370404.1); and 1 more; short protein forms S1618F, S1641F, S1661F, S1640F, S1581F, S1617F, S1628F, S1440F.
Identifiers: ClinVar variation 1360204 (VCV001360204.8), dbSNP rs2151613906, ClinGen allele CA394311594.
Genomic context (GRCh38, chr16:2,087,924, plus strand): 5'-GCCAGTTCAACTTTGTCCACGTGATCGTCACCCCGCTGGACTACGAGTGCAACCTGGTGT[C>T]CCTGCAGTGCAGGAAAGGTAGGGCCGGGTGGGGCCCTGCAGTGCAGGAAAGGTAGGGCCG-3'
Protein context (NP_000539.2, residues 1674-1694): TPLDYECNLV[Ser1684Phe]LQCRKDMEGL

ClinVar aggregate classification (germline): Uncertain significance (1 of 4 stars; one submission).

Conditions:
Tuberous sclerosis 2 (TSC2). Identifiers: Orphanet 805, MedGen C1860707, MONDO:0013199, OMIM 613254.

Submission:

Labcorp Genetics (formerly Invitae), Labcorp
Classification: Uncertain significance for Tuberous sclerosis 2. Last evaluated: 2025-12-13. Review status: criteria provided, single submitter. Criteria: Invitae Variant Classification Sherloc (09022015). Collection method: clinical testing. Allele origin: germline.
Comment: This sequence change replaces serine, which is neutral and polar, with phenylalanine, which is neutral and non-polar, at codon 1684 of the TSC2 protein (p.Ser1684Phe). This variant is not present in population databases (gnomAD no frequency). This variant has not been reported in the literature in individuals affected with TSC2-related conditions. ClinVar contains an entry for this variant (Variation ID: 1360204). Invitae Evidence Modeling of protein sequence and biophysical properties (such as structural, functional, and spatial information, amino acid conservation, physicochemical variation, residue mobility, and thermodynamic stability) indicates that this missense variant is not expected to disrupt TSC2 protein function with a negative predictive value of 95%. In summary, the available evidence is currently insufficient to determine the role of this variant in disease. Therefore, it has been classified as a Variant of Uncertain Significance.